The following is an entry in ClinVar:

NM_197968.4(ZMYM2):c.391C>T (p.Gln131Ter)

Gene: ZMYM2 (zinc finger MYM-type containing 2; plus strand). Cytogenetic location: 13q12.11.
Variant type: single nucleotide variant.
Coding change: c.391C>T on transcript NM_197968.4 (MANE Select); coding-DNA position 391, C replaced by T.
Protein change: p.Gln131Ter; replaces glutamine 131 with a stop codon.
Molecular consequence: nonsense. On other transcripts: non-coding transcript variant (1).
Genome position (GRCh38, 1-based): chr13:19,993,463, C>T. VCF-style: chr13-19993463-C-T. GRCh37 (hg19) VCF-style: chr13-20567603-C-T.
Other names: c.391C>T, p.Gln131Ter (NM_001190964.4, NM_001190965.4, NM_001353157.2 and 6 more transcripts); c.457C>T, p.Gln153Ter (NM_001353161.3); short protein forms Q153*, Q131*.
Identifiers: ClinVar variation 2396225 (VCV002396225.2), dbSNP rs2501896369, ClinGen allele CA387666478.
Genomic context (GRCh38, chr13:19,993,463, plus strand): 5'-GGAAGTGTAAGTGAGACAATTGTCATTGATGATGAAGAGGACATGGAAACAAATCAAGGG[C>T]AAGAGAAAAATTCCTCCAATTTTATTGAACGAAGACCTCCTGAGACTAAAAACAGAACCA-3'

ClinVar aggregate classification (germline): Pathogenic (1 of 4 stars; one submission).

Conditions:
Inborn genetic diseases. Identifiers: MedGen C0950123, MeSH D030342.

Submission:

Ambry Genetics
Classification: Pathogenic for Inborn genetic diseases. Last evaluated: 2021-02-02. Review status: criteria provided, single submitter. Criteria: Ambry Variant Classification Scheme 2023. Collection method: clinical testing. Allele origin: germline.
Comment: The c.391C>T (p.Q131*) alteration, located in exon 4 (coding exon 1) of the ZMYM2 gene, consists of a C to T substitution at nucleotide position 391. This changes the amino acid from a glutamine (Q) to a stop codon at amino acid position 131. This alteration is expected to result in loss of function by premature protein truncation or nonsense-mediated mRNA decay. Based on data from the Genome Aggregation Database (gnomAD), the ZMYM2 c.391C>T alteration was not observed, with coverage at this position. Based on the available evidence, this alteration is classified as pathogenic.